The following is an entry in ClinVar:

ClinVar aggregate classification (germline): Conflicting classifications of pathogenicity. Review status: criteria provided, conflicting classifications (1 of 4 stars). 6 submissions from 6 submitters: Uncertain significance (1); Likely benign (4). 1 of the submissions does not count toward it. Last evaluated 2026-02-01.

Conditions:
UNC13D-related disorder. Also called: UNC13D-related condition.
Familial hemophagocytic lymphohistiocytosis 3 (FHL3). Also called: UNC13D-Related Familial Hemophagocytic Lymphohistiocytosis (UNC13D-fHLH). Identifiers: Orphanet 540, MedGen C1837174, MONDO:0012146, OMIM 608898.

Allele frequency attached by ClinVar (database versions not stated): gnomAD exomes 0.00003 and 0.00004; gnomAD 0.00005 and 0.00006; ExAC 0.00007; TOPMed 0.00011; 1000 Genomes Project 30x 0.00016; 1000 Genomes Project 0.00020.
gnomAD v4.1: 83 of 1,613,916 alleles (0.0051%); highest among the groups gnomAD compares: East Asian, 0.016%; no homozygotes.

Submissions (6):

Labcorp Genetics (formerly Invitae), Labcorp
Classification: Likely benign for Familial hemophagocytic lymphohistiocytosis 3. Last evaluated: 2026-02-01. Review status: criteria provided, single submitter. Criteria: Invitae Variant Classification Sherloc (09022015). Collection method: clinical testing. Allele origin: germline.

Women's Health and Genetics/Laboratory Corporation of America, LabCorp
Classification: Likely benign. Last evaluated: 2025-07-07. Review status: criteria provided, single submitter. Criteria: LabCorp Variant Classification Summary - May 2015. Collection method: clinical testing. Allele origin: germline.

Blueprint Genetics
Classification: Likely benign. Last evaluated: 2024-09-21. Review status: criteria provided, single submitter. Criteria: ACMG Guidelines, 2015. Collection method: clinical testing. Allele origin: germline.

CeGaT Center for Human Genetics Tuebingen
Classification: Likely benign. Last evaluated: 2022-12-01. Review status: criteria provided, single submitter. Criteria: CeGaT Center For Human Genetics Tuebingen Variant Classification Criteria Version 2. Collection method: clinical testing. Allele origin: germline. Affected: yes. Observed: 1 variant allele.
Comment: UNC13D: BP4, BP7

Revvity Omics, Revvity
Classification: Uncertain significance for Familial hemophagocytic lymphohistiocytosis 3. Last evaluated: 2022-06-22. Review status: criteria provided, single submitter. Criteria: ACMG Guidelines, 2015. Collection method: clinical testing. Allele origin: germline.

PreventionGenetics, part of Exact Sciences
Classification: Likely benign for UNC13D-related condition. Last evaluated: 2019-11-27. Review status: no assertion criteria provided. Collection method: clinical testing. Allele origin: germline. Not counted in ClinVar's aggregate classification.
Comment: This variant is classified as likely benign based on ACMG/AMP sequence variant interpretation guidelines (Richards et al. 2015 PMID: 25741868, with internal and published modifications).

NM_199242.3(UNC13D):c.1014C>T (p.His338=)

Gene: UNC13D (unc-13 homolog D; minus strand). Cytogenetic location: 17q25.1.
Variant type: single nucleotide variant.
Coding change: c.1014C>T on transcript NM_199242.3 (MANE Select); coding-DNA position 1014, C replaced by T.
Protein change: p.His338=; no amino-acid change (histidine 338 retained).
Molecular consequence: synonymous variant.
Genome position (GRCh38, 1-based): chr17:75,839,880, G>A on the plus strand (C>T on the coding strand, the complement: UNC13D is on the minus strand). VCF-style: chr17-75839880-G-A. GRCh37 (hg19) VCF-style: chr17-73835961-G-A.
Identifiers: ClinVar variation 757672 (VCV000757672.40), dbSNP rs375097777, ClinGen allele CA8773167.